The following is an entry in ClinVar:

ClinVar aggregate classification (germline): Benign. Review status: criteria provided, multiple submitters, no conflicts (2 of 4 stars). 3 submissions from 3 submitters: Benign (2). 1 of the submissions does not count toward it. Last evaluated 2021-05-05.

Conditions:
MYO9A-related disorder. Also called: MYO9A-related condition.

Allele frequency attached by ClinVar (database versions not stated): ESP Exome Variant Server 0.00069; gnomAD 0.00397 and 0.00603; TOPMed 0.00686; ExAC 0.01197; 1000 Genomes Project 30x 0.02467; 1000 Genomes Project 0.02716.
gnomAD v4.1: 9,470 of 1,613,290 alleles (0.59%); highest among the groups gnomAD compares: East Asian, 17%; 764 homozygotes.

Submissions (3):

GeneDx
Classification: Benign. Last evaluated: 2021-05-05. Review status: criteria provided, single submitter. Criteria: GeneDx Variant Classification Process June 2021. Collection method: clinical testing. Allele origin: germline. Affected: yes.

Breakthrough Genomics
Classification: Benign. Review status: criteria provided, single submitter. Criteria: ACMG Guidelines, 2015. Collection method: not provided. Allele origin: germline. Inheritance: Autosomal recessive inheritance. Affected: yes.

PreventionGenetics, part of Exact Sciences
Classification: Benign for MYO9A-related condition. Last evaluated: 2020-01-20. Review status: no assertion criteria provided. Collection method: clinical testing. Allele origin: germline. Not counted in ClinVar's aggregate classification.
Comment: This variant is classified as benign based on ACMG/AMP sequence variant interpretation guidelines (Richards et al. 2015 PMID: 25741868, with internal and published modifications).

NM_006901.4(MYO9A):c.7168A>G (p.Ile2390Val)

Gene: MYO9A (myosin IXA; minus strand). Cytogenetic location: 15q23.
Variant type: single nucleotide variant.
Coding change: c.7168A>G on transcript NM_006901.4 (MANE Select); coding-DNA position 7168, A replaced by G.
Protein change: p.Ile2390Val; replaces isoleucine 2390 with valine.
Molecular consequence: missense variant.
Genome position (GRCh38, 1-based): chr15:71,827,899, T>C on the plus strand (A>G on the coding strand, the complement: MYO9A is on the minus strand). VCF-style: chr15-71827899-T-C. GRCh37 (hg19) VCF-style: chr15-72120240-T-C.
Other names: short protein forms I2390V.
Identifiers: ClinVar variation 1252587 (VCV001252587.5), dbSNP rs2291280, ClinGen allele CA7640693.